The following is an entry in ClinVar:

ClinVar aggregate classification (germline): Uncertain significance (1 of 4 stars; one submission).

Allele frequency attached by ClinVar (database versions not stated): gnomAD 0.00001; TOPMed 0.00002.
gnomAD v4.1: 30 of 1,600,152 alleles (0.0019%); highest among the groups gnomAD compares: Non-Finnish European, 0.0025%; no homozygotes.

Submission:

Labcorp Genetics (formerly Invitae), Labcorp
Classification: Uncertain significance. Last evaluated: 2022-05-25. Review status: criteria provided, single submitter. Criteria: Invitae Variant Classification Sherloc (09022015). Collection method: clinical testing. Allele origin: germline.
Comment: In summary, the available evidence is currently insufficient to determine the role of this variant in disease. Therefore, it has been classified as a Variant of Uncertain Significance. Algorithms developed to predict the effect of missense changes on protein structure and function (SIFT, PolyPhen-2, Align-GVGD) all suggest that this variant is likely to be tolerated. This variant has not been reported in the literature in individuals affected with SLC25A21-related conditions. This variant is present in population databases (rs775569926, gnomAD 0.005%). This sequence change replaces isoleucine, which is neutral and non-polar, with methionine, which is neutral and non-polar, at codon 17 of the SLC25A21 protein (p.Ile17Met).

NM_030631.4(SLC25A21):c.51C>G (p.Ile17Met)

Genes: SLC25A21 (solute carrier family 25 member 21; minus strand), SLC25A21-AS1 (SLC25A21 antisense RNA 1; plus strand). Cytogenetic location: 14q13.3.
Variant type: single nucleotide variant.
Coding change: c.51C>G on transcript NM_030631.4 (MANE Select); coding-DNA position 51, C replaced by G.
Protein change: p.Ile17Met; replaces isoleucine 17 with methionine.
Molecular consequence: missense variant. On other transcripts: non-coding transcript variant (1).
Genome position (GRCh38, 1-based): chr14:37,172,300, G>C on the plus strand (C>G on the coding strand, the complement: SLC25A21 is on the minus strand). VCF-style: chr14-37172300-G-C. GRCh37 (hg19) VCF-style: chr14-37641505-G-C.
Other names: c.51C>G, p.Ile17Met (NM_001171170.2); short protein forms I17M.
Identifiers: ClinVar variation 1928750 (VCV001928750.5), dbSNP rs775569926, ClinGen allele CA7159475.